The following is an entry in ClinVar:

NM_006939.4(SOS2):c.3330C>G (p.Ser1110Arg)

Gene: SOS2 (SOS Ras/Rho guanine nucleotide exchange factor 2; minus strand). Cytogenetic location: 14q21.3.
Variant type: single nucleotide variant.
Coding change: c.3330C>G on transcript NM_006939.4 (MANE Select); coding-DNA position 3330, C replaced by G.
Protein change: p.Ser1110Arg; replaces serine 1110 with arginine.
Molecular consequence: missense variant.
Genome position (GRCh38, 1-based): chr14:50,130,508, G>C on the plus strand (C>G on the coding strand, the complement: SOS2 is on the minus strand). VCF-style: chr14-50130508-G-C. GRCh37 (hg19) VCF-style: chr14-50597226-G-C.
Other names: c.3231C>G, p.Ser1077Arg (NM_001411020.1); short protein forms S1077R, S1110R.
Identifiers: ClinVar variation 3623069 (VCV003623069.2).

ClinVar aggregate classification (germline): Uncertain significance (1 of 4 stars; one submission).

Conditions:
Noonan syndrome 9 (NS9). Identifiers: Orphanet 648, MedGen C4225282, MONDO:0014691, OMIM 616559.

gnomAD v4.1: 6 of 1,613,452 alleles (0.00037%); highest among the groups gnomAD compares: Non-Finnish European, 0.00051%; no homozygotes.

Submission:

Labcorp Genetics (formerly Invitae), Labcorp
Classification: Uncertain significance for Noonan syndrome 9. Last evaluated: 2025-05-08. Review status: criteria provided, single submitter. Criteria: Invitae Variant Classification Sherloc (09022015). Collection method: clinical testing. Allele origin: germline.
Comment: This sequence change replaces serine, which is neutral and polar, with arginine, which is basic and polar, at codon 1110 of the SOS2 protein (p.Ser1110Arg). This variant is present in population databases (rs370277292, gnomAD 0.0009%). This variant has not been reported in the literature in individuals affected with SOS2-related conditions. ClinVar contains an entry for this variant (Variation ID: 3623069). Invitae Evidence Modeling of protein sequence and biophysical properties (such as structural, functional, and spatial information, amino acid conservation, physicochemical variation, residue mobility, and thermodynamic stability) indicates that this missense variant is not expected to disrupt SOS2 protein function with a negative predictive value of 95%. In summary, the available evidence is currently insufficient to determine the role of this variant in disease. Therefore, it has been classified as a Variant of Uncertain Significance.